The following is an entry in ClinVar:

ClinVar aggregate classification (germline): Benign. Review status: criteria provided, single submitter (1 of 4 stars). 2 submissions from 1 submitter: Benign (2). Last evaluated 2018-01-12.

Conditions:
Acrodysostosis 1 with or without hormone resistance (ACRDYS1). Also called: ACRODYSOSTOSIS 1 WITH HORMONE RESISTANCE; ACRODYSOSTOSIS 1 WITHOUT HORMONE RESISTANCE; ACRODYSOSTOSIS WITH HORMONE RESISTANCE. Identifiers: Orphanet 280651, MedGen C3276228, MONDO:0007044, OMIM 101800.
Carney complex, type 1 (CNC1). Also called: CARNEY MYXOMA-ENDOCRINE COMPLEX; CARNEY COMPLEX, TYPE I. Identifiers: Orphanet 1359, MedGen C2607929, MONDO:0008057, OMIM 160980.

Allele frequency attached by ClinVar (database versions not stated): 1000 Genomes Project 30x 0.00047; 1000 Genomes Project 0.00060; gnomAD exomes 0.00131; gnomAD 0.00141 and 0.00147; TOPMed 0.00164.
gnomAD v4.1: 1,407 of 1,064,062 alleles (0.13%); highest among the groups gnomAD compares: Middle Eastern, 0.42%; no homozygotes.

Submissions (2):

Illumina Laboratory Services, Illumina
Classification: Benign for Acrodysostosis 1 with or without hormone resistance. Last evaluated: 2018-01-12. Review status: criteria provided, single submitter. Criteria: ICSL Variant Classification Criteria 13 December 2019. Collection method: clinical testing. Allele origin: germline.
Comment: This variant was observed in the ICSL laboratory as part of a predisposition screen in an ostensibly healthy population. It had not been previously curated by ICSL or reported in the Human Gene Mutation Database (HGMD: prior to June 1st, 2018), and was therefore a candidate for classification through an automated scoring system. Utilizing variant allele frequency, disease prevalence and penetrance estimates, and inheritance mode, an automated score was calculated to assess if this variant is too frequent to cause the disease. Based on the score and internal cut-off values, a variant classified as benign is not then subjected to further curation. The score for this variant resulted in a classification of benign for this disease.

Illumina Laboratory Services, Illumina
Classification: Benign for Carney complex, type 1. Last evaluated: 2018-01-12. Review status: criteria provided, single submitter. Criteria: ICSL Variant Classification Criteria 13 December 2019. Collection method: clinical testing. Allele origin: germline.
Comment: the same text as in the submission from Illumina Laboratory Services, Illumina above.

NM_002734.5(PRKAR1A):c.*2844A>C

Gene: PRKAR1A (protein kinase cAMP-dependent type I regulatory subunit alpha; plus strand). Cytogenetic location: 17q24.2.
Variant type: single nucleotide variant.
Coding change: c.*2844A>C on transcript NM_002734.5 (MANE Select); 2844 bases downstream of the stop codon, A replaced by C.
Molecular consequence: 3 prime UTR variant. On other transcripts: intron variant (1).
Genome position (GRCh38, 1-based): chr17:68,533,293, A>C. VCF-style: chr17-68533293-A-C. GRCh37 (hg19) VCF-style: chr17-66529434-A-C.
Other names: c.*2844A>C (NM_001276289.2, NM_001278433.2, NM_001369389.1 and 3 more transcripts); c.973+3292A>C (NM_001276290.1).
Identifiers: ClinVar variation 891838 (VCV000891838.4), dbSNP rs144560276, ClinGen allele CA293298703.